The following is an entry in ClinVar:

ClinVar aggregate classification (germline): Likely benign (1 of 4 stars; one submission).

Allele frequency attached by ClinVar (database versions not stated): 1000 Genomes Project 0.01178; 1000 Genomes Project 30x 0.01202; TOPMed 0.02212; gnomAD 0.02280 and 0.02308; gnomAD exomes 0.03152.
gnomAD v4.1: 25,205 of 839,280 alleles (3%); highest among the groups gnomAD compares: Middle Eastern, 5.3%; 499 homozygotes.

Submission:

GeneDx
Classification: Likely benign. Last evaluated: 2018-06-19. Review status: criteria provided, single submitter. Criteria: GeneDx Variant Classification (06012015). Collection method: clinical testing. Allele origin: germline. Affected: yes.
Comment: This variant is considered likely benign or benign based on one or more of the following criteria: it is a conservative change, it occurs at a poorly conserved position in the protein, it is predicted to be benign by multiple in silico algorithms, and/or has population frequency not consistent with disease.

NM_018136.5(ASPM):c.2173+120A>G

Gene: ASPM (assembly factor for spindle microtubules; minus strand). Cytogenetic location: 1q31.3.
Variant type: single nucleotide variant.
Coding change: c.2173+120A>G on transcript NM_018136.5 (MANE Select); 120 bases into the intron after coding-DNA position 2173, A replaced by G.
Molecular consequence: intron variant.
Genome position (GRCh38, 1-based): chr1:197,134,976, T>C on the plus strand (A>G on the coding strand, the complement: ASPM is on the minus strand). VCF-style: chr1-197134976-T-C. GRCh37 (hg19) VCF-style: chr1-197104106-T-C.
Other names: c.2173+120A>G (NM_001206846.2).
Identifiers: ClinVar variation 675682 (VCV000675682.1), dbSNP rs114887287, ClinGen allele CA35857432.